The following is an entry in ClinVar:

ClinVar aggregate classification (germline): Uncertain significance (1 of 4 stars; one submission).

Submission:

GeneDx
Classification: Uncertain significance. Last evaluated: 2024-05-06. Review status: criteria provided, single submitter. Criteria: GeneDx Variant Classification Process June 2021. Collection method: clinical testing. Allele origin: germline. Affected: yes.
Comment: Not observed at significant frequency in large population cohorts (gnomAD); In silico analysis indicates that this missense variant does not alter protein structure/function; Has not been previously published as pathogenic or benign to our knowledge

NM_002480.3(PPP1R12A):c.1924G>C (p.Ala642Pro)

Gene: PPP1R12A (protein phosphatase 1 regulatory subunit 12A; minus strand). Cytogenetic location: 12q21.2.
Variant type: single nucleotide variant.
Coding change: c.1924G>C on transcript NM_002480.3 (MANE Select); coding-DNA position 1924, G replaced by C.
Protein change: p.Ala642Pro; replaces alanine 642 with proline.
Molecular consequence: missense variant.
Genome position (GRCh38, 1-based): chr12:79,805,668, C>G on the plus strand (G>C on the coding strand, the complement: PPP1R12A is on the minus strand). VCF-style: chr12-79805668-C-G. GRCh37 (hg19) VCF-style: chr12-80199448-C-G.
Other names: c.1924G>C, p.Ala642Pro (NM_001143885.2, NM_001244990.2); c.1663G>C, p.Ala555Pro (NM_001143886.2); c.1756G>C, p.Ala586Pro (NM_001244992.1); short protein forms A555P, A586P, A642P.
Identifiers: ClinVar variation 3376119 (VCV003376119.1).
Genomic context (GRCh38, chr12:79,805,668, plus strand): 5'-CCTCTGTTGTGGAGGAGACAGTGCCAGCAGTAGTTGTAGTCAGGGTTGTGGTAGAAGCTG[C>G]AGCATTTACAACAGTTGGAGCAACAGGAATGGTCACTGCCGTAGGAACACTGTCCTTTTC-3'
Protein context (NP_002471.1, residues 632-652): IPVAPTVVNA[Ala642Pro]ASTTTLTTTT